The following is an entry in ClinVar:

ClinVar aggregate classification (germline): Pathogenic (1 of 4 stars; one submission).

Submission:

Quest Diagnostics Nichols Institute San Juan Capistrano
Classification: Pathogenic. Last evaluated: 2024-07-26. Review status: criteria provided, single submitter. Criteria: ACMG/ClinGen CNV Guidelines, 2019. Collection method: clinical testing. Allele origin: unknown.
Comment: This loss involves at least 40 protein-coding genes, including SHANK3 (OMIM 606230). Haploinsufficiency of SHANK3 is associated with Phelan-McDermid syndrome (PHMDS), which is also referred to as 22q13.3 deletion syndrome (OMIM 606232; Phelan 2018, Rehm 2015). There are no similar copy number losses of this region in the general populations of the Database of Genomic Variants. Thus, based on gene content and current medical literature, this copy number variant (CNV) is classified as pathogenic. References: Phelan, Orphanet J Rare Dis. 2008 May 27;3:14. PMID: 18505557 Phelan et al., GeneReviews [2018 Jun 07]. PMID: 20301377 Rehm et al., N Engl J Med. 2015 Jun 4;372(23):2235-42. PMID: 26014595

GRCh37/hg19 22q13.31-13.33(chr22:47061511-51183840)x1

Genes: ACR (acrosin; plus strand), ADM2 (adrenomedullin 2; plus strand), ALG12 (ALG12 alpha-1,6-mannosyltransferase; minus strand), ARSA (arylsulfatase A; minus strand), BRD1 (bromodomain containing 1; minus strand) and 34 more. Cytogenetic location: 22q13.31-13.33.
Variant type: copy number loss.
Change: copy number 1 (one copy instead of two) of chr22:47,061,511-51,183,840 (4.12 Mb, GRCh37 coordinates, 1-based), cytogenetic band 22q13.31-13.33.
Identifiers: ClinVar variation 4683002 (VCV004683002.1).